The following is an entry in ClinVar:

ClinVar aggregate classification (germline): Likely benign (1 of 4 stars; one submission).

Conditions:
USH2A-related disorder. Also called: USH2A-related disorders; USH2A-related condition. Identifiers: MedGen CN239332.

gnomAD v4.1: 3 of 152,224 alleles (0.002%); highest among the groups gnomAD compares: Admixed American, 0.0065%; no homozygotes.

Submission:

PreventionGenetics, part of Exact Sciences
Classification: Likely benign for USH2A-related condition. Last evaluated: 2025-05-21. Review status: criteria provided, single submitter. Criteria: ACMG Guidelines, 2015. Collection method: clinical testing. Allele origin: germline.
Comment: This variant is classified as likely benign based on ACMG/AMP sequence variant interpretation guidelines (Richards et al. 2015 PMID: 25741868, with internal and published modifications).

NM_206933.4(USH2A):c.12066+4410A>G

Gene: USH2A (usherin; minus strand). Cytogenetic location: 1q41.
Variant type: single nucleotide variant.
Coding change: c.12066+4410A>G on transcript NM_206933.4 (MANE Select); 4410 bases into the intron after coding-DNA position 12066, A replaced by G.
Molecular consequence: intron variant.
Genome position (GRCh38, 1-based): chr1:215,723,620, T>C on the plus strand (A>G on the coding strand, the complement: USH2A is on the minus strand). VCF-style: chr1-215723620-T-C. GRCh37 (hg19) VCF-style: chr1-215896962-T-C.
Identifiers: ClinVar variation 4983380 (VCV004983380.1).
Genomic context (GRCh38, chr1:215,723,620, plus strand): 5'-TGCATTAGCAGTACCTCTTGCGAGTTTGTGGACTGAACTGCAATCCTACAGTTGTGGGGA[T>C]GGACTCTGTGCCTCATTAATGGAGAAGGTTCTGTAGTTCCTTTGCCCTGAAGAATTTTAG-3'